The following is an entry in ClinVar:

ClinVar aggregate classification (germline): Uncertain significance. Review status: criteria provided, multiple submitters, no conflicts (2 of 4 stars). 8 submissions from 8 submitters: Uncertain significance (7). 1 of the submissions does not count toward it. Last evaluated 2025-06-08.

Conditions:
Hereditary cancer-predisposing syndrome. Also called: Neoplastic Syndromes, Hereditary; Hereditary Cancer Syndrome; Tumor predisposition; Hereditary neoplastic syndrome. Identifiers: Orphanet 140162, MedGen C0027672, MeSH D009386, MONDO:0015356.
Ataxia-telangiectasia syndrome (AT). Also called: LOUIS-BAR SYNDROME; Cerebello-oculocutaneous telangiectasia; Immunodeficiency with ataxia telangiectasia; Ataxia-telangiectasia, complementation group D; AT, COMPLEMENTATION GROUP C; Ataxia-telangiectasia, complementation group E. Identifiers: Orphanet 100, MedGen C0004135, MONDO:0008840, OMIM 208900.
Familial cancer of breast. Also called: Hereditary breast cancer; BREAST CANCER, FAMILIAL; hereditary breast carcinoma. Identifiers: Orphanet 227535, MedGen C0346153, MONDO:0016419, OMIM 114480. Disease mechanism: loss of function.

Allele frequency attached by ClinVar (database versions not stated): gnomAD exomes below 0.00001; TOPMed 0.00001.
gnomAD v4.1: 4 of 1,614,212 alleles (0.00025%); highest among the groups gnomAD compares: African/African-American, 0.0013%; no homozygotes.

Submissions (8):

Labcorp Genetics (formerly Invitae), Labcorp
Classification: Uncertain significance for Ataxia-telangiectasia syndrome. Last evaluated: 2025-06-08. Review status: criteria provided, single submitter. Criteria: Invitae Variant Classification Sherloc (09022015). Collection method: clinical testing. Allele origin: germline.
Comment: This sequence change replaces methionine, which is neutral and non-polar, with threonine, which is neutral and polar, at codon 2482 of the ATM protein (p.Met2482Thr). This variant is not present in population databases (gnomAD no frequency). This missense change has been observed in individual(s) with ATM-related conditions (PMID: 35047863). ClinVar contains an entry for this variant (Variation ID: 453685). Invitae Evidence Modeling of protein sequence and biophysical properties (such as structural, functional, and spatial information, amino acid conservation, physicochemical variation, residue mobility, and thermodynamic stability) indicates that this missense variant is not expected to disrupt ATM protein function with a negative predictive value of 95%. In summary, the available evidence is currently insufficient to determine the role of this variant in disease. Therefore, it has been classified as a Variant of Uncertain Significance.

Ambry Genetics
Classification: Uncertain significance for Hereditary cancer-predisposing syndrome. Last evaluated: 2024-12-12. Review status: criteria provided, single submitter. Criteria: Ambry Variant Classification Scheme 2023. Collection method: clinical testing. Allele origin: germline.
Comment: The p.M2482T variant (also known as c.7445T>C), located in coding exon 49 of the ATM gene, results from a T to C substitution at nucleotide position 7445. The methionine at codon 2482 is replaced by threonine, an amino acid with similar properties. This amino acid position is not well conserved in available vertebrate species. In addition, this alteration is predicted to be tolerated by in silico analysis. Based on the available evidence, the clinical significance of this variant remains unclear.

Color Diagnostics, LLC DBA Color Health
Classification: Uncertain significance for Hereditary cancer-predisposing syndrome. Last evaluated: 2023-12-05. Review status: criteria provided, single submitter. Criteria: ACMG Guidelines, 2015. Collection method: clinical testing. Allele origin: germline.
Comment: This missense variant replaces methionine with threonine at codon 2482 of the ATM protein. Computational prediction suggests that this variant may not impact protein structure and function. To our knowledge, functional studies have not been reported for this variant. This variant has not been reported in individuals affected with ATM-related disorders in the literature. This variant has not been identified in the general population by the Genome Aggregation Database (gnomAD). The available evidence is insufficient to determine the role of this variant in disease conclusively. Therefore, this variant is classified as a Variant of Uncertain Significance.

Baylor Genetics
Classification: Uncertain significance for Familial cancer of breast. Last evaluated: 2022-12-23. Review status: criteria provided, single submitter. Criteria: ACMG Guidelines, 2015. Collection method: clinical testing. Allele origin: unknown.

GeneDx
Classification: Uncertain significance. Last evaluated: 2022-08-30. Review status: criteria provided, single submitter. Criteria: GeneDx Variant Classification Process June 2021. Collection method: clinical testing. Allele origin: germline. Affected: yes.
Comment: Not observed at significant frequency in large population cohorts (gnomAD); In silico analysis supports that this missense variant does not alter protein structure/function; Has not been previously published as pathogenic or benign to our knowledge; This variant is associated with the following publications: (PMID: 23532176, 35047863)

Women's Health and Genetics/Laboratory Corporation of America, LabCorp
Classification: Uncertain significance. Last evaluated: 2018-10-26. Review status: criteria provided, single submitter. Criteria: LabCorp Variant Classification Summary - May 2015. Collection method: clinical testing. Allele origin: germline.
Comment: Variant summary: ATM c.7445T>C (p.Met2482Thr) results in a non-conservative amino acid change located in the PIK-related kinase, FAT domain (IPR003151) of the encoded protein sequence. Four of five in-silico tools predict a benign effect of the variant on protein function. The variant was absent in 246004 control chromosomes (gnomAD). The available data on variant occurrences in the general population are insufficient to allow any conclusion about variant significance. To our knowledge, no occurrence of c.7445T>C in individuals affected with Ataxia-Telangiectasia and no experimental evidence demonstrating its impact on protein function have been reported. Two clinical diagnostic laboratories have submitted clinical-significance assessments for this variant to ClinVar after 2014 without evidence for independent evaluation and both classified the variant as uncertain significance. Based on the evidence outlined above, the variant was classified as uncertain significance.

Blueprint Genetics
Classification: Uncertain significance. Last evaluated: 2018-10-12. Review status: criteria provided, single submitter. Criteria: ACMG Guidelines, 2015. Collection method: clinical testing. Allele origin: germline.

Natera, Inc.
Classification: Uncertain significance for Ataxia-telangiectasia. Last evaluated: 2020-01-24. Review status: no assertion criteria provided. Collection method: clinical testing. Allele origin: germline. Not counted in ClinVar's aggregate classification.

Literature cited by the submitters: PubMed 35047863 (cited by Labcorp Genetics (formerly Invitae), Labcorp).

NM_000051.4(ATM):c.7445T>C (p.Met2482Thr)

Genes: C11orf65 (chromosome 11 open reading frame 65; minus strand), ATM (ATM serine/threonine kinase; plus strand). Cytogenetic location: 11q22.3.
Variant type: single nucleotide variant.
Coding change: c.7445T>C on transcript NM_000051.4 (MANE Select); coding-DNA position 7445, T replaced by C.
Protein change: p.Met2482Thr; replaces methionine 2482 with threonine.
Molecular consequence: missense variant. On other transcripts: intron variant (2).
Genome position (GRCh38, 1-based): chr11:108,330,351, T>C. VCF-style: chr11-108330351-T-C. GRCh37 (hg19) VCF-style: chr11-108201078-T-C.
Other names: c.7445T>C, p.Met2482Thr (NM_001351834.2); c.641-21280A>G (NM_001330368.2); c.*38+4869A>G (NM_001351110.2); short protein forms M2482T.
Identifiers: ClinVar variation 453685 (VCV000453685.20), dbSNP rs1555123191, ClinGen allele CA382560318.